The following is an entry in ClinVar:

ClinVar aggregate classification (germline): Likely pathogenic (0 of 4 stars; one submission).

Conditions:
OPTN-related disorder. Also called: OPTN-related condition; OPTN-related disorders.

Submission:

PreventionGenetics, part of Exact Sciences
Classification: Likely pathogenic for OPTN-related condition. Last evaluated: 2023-12-21. Review status: no assertion criteria provided. Collection method: clinical testing. Allele origin: germline.
Comment: The OPTN c.1028_1029insCA variant is predicted to result in a frameshift and premature protein termination (p.Ile344Lysfs*6). To our knowledge, this variant has not been reported in the literature or in a large population database, indicating this variant is rare. Frameshift variants in OPTN are expected to be pathogenic and multiple protein-truncating variants upstream and downstream of this variant have been reported (ClinVar, HGMD). This variant is interpreted as likely pathogenic.

NM_001008212.2(OPTN):c.1028_1029insCA (p.Ile344fs)

Gene: OPTN (optineurin; plus strand). Cytogenetic location: 10p13.
Variant type: Insertion.
Coding change: c.1028_1029insCA on transcript NM_001008212.2 (MANE Select); coding-DNA positions 1028 to 1029, CA inserted.
Protein change: p.Ile344fs; shifts the reading frame from isoleucine 344.
Molecular consequence: frameshift variant.
Genome position: GRCh38 VCF-style: chr10-13125447-C-CCA. GRCh37 (hg19) VCF-style: chr10-13167447-C-CCA.
Other names: c.1028_1029insCA, p.Ile344fs (NM_001008211.1, NM_001008213.1, NM_021980.4); short protein forms I344fs.
Identifiers: ClinVar variation 3349836 (VCV003349836.1).